The following is an entry in ClinVar:

ClinVar aggregate classification (germline): Uncertain significance. Review status: criteria provided, multiple submitters, no conflicts (2 of 4 stars). 2 submissions from 2 submitters: Uncertain significance (2). Last evaluated 2023-06-05.

Conditions:
Brody myopathy. Also called: BRODY DISEASE. Identifiers: Orphanet 53347, MedGen C1832918, MONDO:0010977, OMIM 601003.

Allele frequency attached by ClinVar (database versions not stated): TOPMed below 0.00001; ExAC 0.00001; gnomAD 0.00001; gnomAD exomes 0.00001.
gnomAD v4.1: 14 of 1,613,984 alleles (0.00087%); highest among the groups gnomAD compares: Non-Finnish European, 0.0012%; no homozygotes.

Submissions (2):

Mayo Clinic Laboratories, Mayo Clinic
Classification: Uncertain significance. Last evaluated: 2023-06-05. Review status: criteria provided, single submitter. Criteria: ACMG Guidelines, 2015. Collection method: clinical testing. Allele origin: germline. Observed: 1 variant allele.
Comment: BP4, PM2

Labcorp Genetics (formerly Invitae), Labcorp
Classification: Uncertain significance for Brody myopathy. Last evaluated: 2022-10-25. Review status: criteria provided, single submitter. Criteria: Invitae Variant Classification Sherloc (09022015). Collection method: clinical testing. Allele origin: germline.
Comment: This sequence change replaces serine, which is neutral and polar, with alanine, which is neutral and non-polar, at codon 504 of the ATP2A1 protein (p.Ser504Ala). This variant is present in population databases (rs746021467, gnomAD 0.0009%). This variant has not been reported in the literature in individuals affected with ATP2A1-related conditions. ClinVar contains an entry for this variant (Variation ID: 1424128). Algorithms developed to predict the effect of missense changes on protein structure and function are either unavailable or do not agree on the potential impact of this missense change (SIFT: "Deleterious"; PolyPhen-2: "Benign"; Align-GVGD: "Class C0"). In summary, the available evidence is currently insufficient to determine the role of this variant in disease. Therefore, it has been classified as a Variant of Uncertain Significance.

NM_004320.6(ATP2A1):c.1510T>G (p.Ser504Ala)

Gene: ATP2A1 (ATPase sarcoplasmic/endoplasmic reticulum Ca2+ transporting 1; plus strand). Cytogenetic location: 16p11.2.
Variant type: single nucleotide variant.
Coding change: c.1510T>G on transcript NM_004320.6 (MANE Select); coding-DNA position 1510, T replaced by G.
Protein change: p.Ser504Ala; replaces serine 504 with alanine.
Molecular consequence: missense variant.
Genome position (GRCh38, 1-based): chr16:28,898,090, T>G. VCF-style: chr16-28898090-T-G. GRCh37 (hg19) VCF-style: chr16-28909411-T-G.
Other names: p.Ser504Ala; c.1510T>G (NM_173201.4); c.1135T>G, p.Ser379Ala (NM_001286075.2); c.1510T>G, p.Ser504Ala (NM_173201.5); short protein forms S379A, S504A.
Identifiers: ClinVar variation 1424128 (VCV001424128.4), dbSNP rs746021467, ClinGen allele CA7986997.